The following is an entry in ClinVar:

ClinVar aggregate classification (germline): Benign. Review status: criteria provided, single submitter (1 of 4 stars). 2 submissions from 1 submitter: Benign (2). Last evaluated 2018-01-12.

Conditions:
Martsolf syndrome (MARTS). Also called: Congenital cataract with intellectual disability and hypogonadotropic hypogonadism syndrome. Identifiers: Orphanet 1387, MedGen C0796037, MONDO:0023910.
Warburg micro syndrome 2 (WARBM2). Also called: MICRO SYNDROME 2. Identifiers: Orphanet 2510, MedGen C3280214, MONDO:0013641, OMIM 614225.

Allele frequency attached by ClinVar (database versions not stated): gnomAD exomes 0.00231; gnomAD 0.00318 and 0.00339; TOPMed 0.00509; 1000 Genomes Project 0.01018; 1000 Genomes Project 30x 0.01093.
gnomAD v4.1: 514 of 152,082 alleles (0.34%); highest among the groups gnomAD compares: Admixed American, 2.8%; 18 homozygotes.

Submissions (2):

Illumina Laboratory Services, Illumina
Classification: Benign for Warburg micro syndrome 2. Last evaluated: 2018-01-12. Review status: criteria provided, single submitter. Criteria: ICSL Variant Classification Criteria 13 December 2019. Collection method: clinical testing. Allele origin: germline.
Comment: This variant was observed in the ICSL laboratory as part of a predisposition screen in an ostensibly healthy population. It had not been previously curated by ICSL or reported in the Human Gene Mutation Database (HGMD: prior to June 1st, 2018), and was therefore a candidate for classification through an automated scoring system. Utilizing variant allele frequency, disease prevalence and penetrance estimates, and inheritance mode, an automated score was calculated to assess if this variant is too frequent to cause the disease. Based on the score and internal cut-off values, a variant classified as benign is not then subjected to further curation. The score for this variant resulted in a classification of benign for this disease.

Illumina Laboratory Services, Illumina
Classification: Benign for Martsolf syndrome 1. Last evaluated: 2018-01-12. Review status: criteria provided, single submitter. Criteria: ICSL Variant Classification Criteria 13 December 2019. Collection method: clinical testing. Allele origin: germline.
Comment: the same text as in the submission from Illumina Laboratory Services, Illumina above.

NM_012414.4(RAB3GAP2):c.*925C>T

Gene: RAB3GAP2 (RAB3 GTPase activating non-catalytic protein subunit 2; minus strand). Cytogenetic location: 1q41.
Variant type: single nucleotide variant.
Coding change: c.*925C>T on transcript NM_012414.4 (MANE Select); 925 bases downstream of the stop codon, C replaced by T.
Molecular consequence: 3 prime UTR variant.
Genome position (GRCh38, 1-based): chr1:220,150,326, G>A on the plus strand (C>T on the coding strand, the complement: RAB3GAP2 is on the minus strand). VCF-style: chr1-220150326-G-A. GRCh37 (hg19) VCF-style: chr1-220323668-G-A.
Identifiers: ClinVar variation 295630 (VCV000295630.5), dbSNP rs185747953, ClinGen allele CA10610107.